The following is an entry in ClinVar:

NM_001377.3(DYNC2H1):c.7507G>T (p.Val2503Phe)

Gene: DYNC2H1 (dynein cytoplasmic 2 heavy chain 1; plus strand). Cytogenetic location: 11q22.3.
Variant type: single nucleotide variant.
Coding change: c.7507G>T on transcript NM_001377.3 (MANE Select); coding-DNA position 7507, G replaced by T.
Protein change: p.Val2503Phe; replaces valine 2503 with phenylalanine.
Molecular consequence: missense variant.
Genome position (GRCh38, 1-based): chr11:103,191,586, G>T. VCF-style: chr11-103191586-G-T. GRCh37 (hg19) VCF-style: chr11-103062315-G-T.
Other names: c.7507G>T, p.Val2503Phe (NM_001080463.2); short protein forms V2503F.
Identifiers: ClinVar variation 2584790 (VCV002584790.1), dbSNP rs1368501155, ClinGen allele CA382254170.

ClinVar aggregate classification (germline): Uncertain significance (1 of 4 stars; one submission).

Conditions:
Asphyxiating thoracic dystrophy 3. Also called: SHORT-RIB THORACIC DYSPLASIA 3 WITH OR WITHOUT POLYDACTYLY; POLYDACTYLY WITH NEONATAL CHONDRODYSTROPHY, TYPE I; SHORT-RIB THORACIC DYSPLASIA 3/6 WITH POLYDACTYLY, DIGENIC; Short rib polydactyly syndrome 2B; Saldino-Noonan Syndrome. Identifiers: Orphanet 474, Orphanet 93269, Orphanet 93270, Orphanet 93271, MedGen C0036069, MONDO:0013127, OMIM 613091.

Submission:

Neuberg Centre For Genomic Medicine, NCGM
Classification: Uncertain significance for Asphyxiating thoracic dystrophy 3. Review status: criteria provided, single submitter. Criteria: ACMG Guidelines, 2015. Collection method: clinical testing. Allele origin: germline. Inheritance: Autosomal recessive inheritance. Affected: yes.
Comment: The missense variant c.7507G>T (p.Val2503Phe) in DYNC2H1 gene has not been reported previously as a pathogenic variant nor as a benign variant, to our knowledge. The p.Val2503Phe variant is novel (not in any individuals) in gnomAD Exomes and 1000 Genomes. The amino acid Val at position 2503 is changed to a Phe changing protein sequence and it might alter its composition and physico-chemical properties. The amino acid change p.Val2503Phe in DYNC2H1 is predicted as conserved by GERP++ and PhyloP across 100 vertebrates. For these reasons, this variant has been classified as Uncertain Significance.